The following is an entry in ClinVar:

NM_001160372.4(TRAPPC9):c.1352-4G>A

Gene: TRAPPC9 (trafficking protein particle complex subunit 9; minus strand). Cytogenetic location: 8q24.3.
Variant type: single nucleotide variant.
Coding change: c.1352-4G>A on transcript NM_001160372.4 (MANE Select); 4 bases into the intron before coding-DNA position 1352, G replaced by A.
Molecular consequence: intron variant.
Genome position (GRCh38, 1-based): chr8:140,360,197, C>T on the plus strand (G>A on the coding strand, the complement: TRAPPC9 is on the minus strand). VCF-style: chr8-140360197-C-T. GRCh37 (hg19) VCF-style: chr8-141370296-C-T.
Other names: c.1352-4G>A (NM_031466.8, NM_001374683.1); c.1325-4G>A (NM_001321646.2); c.1351+10767G>A (NM_001374684.1); c.1373-4G>A (NM_001374682.1).
Identifiers: ClinVar variation 1777150 (VCV001777150.5), dbSNP rs775482502, ClinGen allele CA4893472.

ClinVar aggregate classification (germline): Conflicting classifications of pathogenicity. Review status: criteria provided, conflicting classifications (1 of 4 stars). 2 submissions from 2 submitters: Uncertain significance (1); Likely benign (1). Last evaluated 2025-12-09.

Conditions:
Inborn genetic diseases. Identifiers: MedGen C0950123, MeSH D030342.

Allele frequency attached by ClinVar (database versions not stated): ExAC 0.00001.
gnomAD v4.1: 7 of 1,614,024 alleles (0.00043%); highest among the groups gnomAD compares: South Asian, 0.0022%; no homozygotes.

Submissions (2):

Labcorp Genetics (formerly Invitae), Labcorp
Classification: Likely benign. Last evaluated: 2025-12-09. Review status: criteria provided, single submitter. Criteria: Invitae Variant Classification Sherloc (09022015). Collection method: clinical testing. Allele origin: germline.

Ambry Genetics
Classification: Uncertain significance for Inborn genetic diseases. Last evaluated: 2017-09-29. Review status: criteria provided, single submitter. Criteria: Ambry Variant Classification Scheme 2023. Collection method: clinical testing. Allele origin: germline.
Comment: The c.1646-4G>A intronic variant results from a G to A substitution 4 nucleotides upstream from coding exon 9 in the TRAPPC9 gene. This nucleotide position is not well conserved in available vertebrate species. Using the BDGP and ESEfinder splice site prediction tools, this alteration is not predicted to have any significant effect on this splice acceptor site; however, direct evidence is unavailable. Since supporting evidence is limited at this time, the clinical significance of this alteration remains unclear.